The following is an entry in ClinVar:

ClinVar aggregate classification (germline): Conflicting classifications of pathogenicity. Review status: criteria provided, conflicting classifications (1 of 4 stars). 2 submissions from 2 submitters: Likely pathogenic (1); Uncertain significance (1). Last evaluated 2025-09-26.

Conditions:
CFI-related disorder. Also called: CFI-related disorders; CFI-related condition. Identifiers: MedGen CN239325.

Submissions (2):

Genomenon, Inc
Classification: Likely pathogenic for CFI-related disorder. Last evaluated: 2025-09-26. Review status: criteria provided, single submitter. Criteria: Genomenon Sequence Variant Interpretation Standards - Updated. Collection method: curation. Allele origin: germline. Affected: yes.
Comment: CFI p.Cys43Phe (c.128G>T) is a missense variant that changes the amino acid at residue 43 from Cysteine to Phenylalanine. This variant has been observed in at least one proband affected with a CFI-related disorder (PMID:20016463;32510551). At least one functional study has demonstrated a substantial alteration in protein function relative to the wild-type (PMID:32510551;19877009;20016463). It is absent or not present at a significant frequency in gnomAD. In silico models agree that this variant is possibly or probably damaging. In conclusion, we classify CFI p.Cys43Phe (c.128G>T) as a likely pathogenic variant.

Labcorp Genetics (formerly Invitae), Labcorp
Classification: Uncertain significance. Last evaluated: 2025-04-10. Review status: criteria provided, single submitter. Criteria: Invitae Variant Classification Sherloc (09022015). Collection method: clinical testing. Allele origin: germline.
Comment: This sequence change replaces cysteine, which is neutral and slightly polar, with phenylalanine, which is neutral and non-polar, at codon 43 of the CFI protein (p.Cys43Phe). This variant is not present in population databases (gnomAD no frequency). This missense change has been observed in individual(s) with atypical hemolytic uremic syndrome (PMID: 20016463). Invitae Evidence Modeling of protein sequence and biophysical properties (such as structural, functional, and spatial information, amino acid conservation, physicochemical variation, residue mobility, and thermodynamic stability) indicates that this missense variant is expected to disrupt CFI protein function with a positive predictive value of 95%. Experimental studies have shown that this missense change affects CFI function (PMID: 20016463). In summary, the available evidence is currently insufficient to determine the role of this variant in disease. Therefore, it has been classified as a Variant of Uncertain Significance.

Literature cited by the submitters: PubMed 20016463 (cited by Genomenon, Inc and Labcorp Genetics (formerly Invitae), Labcorp); 32510551 (cited by Genomenon, Inc); 19877009 (cited by Genomenon, Inc).

NM_000204.5(CFI):c.128G>T (p.Cys43Phe)

Gene: CFI (complement factor I; minus strand). Cytogenetic location: 4q25.
Variant type: single nucleotide variant.
Coding change: c.128G>T on transcript NM_000204.5 (MANE Select); coding-DNA position 128, G replaced by T.
Protein change: p.Cys43Phe; replaces cysteine 43 with phenylalanine.
Molecular consequence: missense variant. On other transcripts: non-coding transcript variant (3), intron variant (1).
Genome position (GRCh38, 1-based): chr4:109,766,754, C>A on the plus strand (G>T on the coding strand, the complement: CFI is on the minus strand). VCF-style: chr4-109766754-C-A. GRCh37 (hg19) VCF-style: chr4-110687910-C-A.
Other names: c.128G>T, p.Cys43Phe (NM_001318057.2, NM_001331035.2, NM_001375278.1 and 10 more transcripts); c.-127-5062G>T (NM_001375284.1); short protein forms C43F.
Identifiers: ClinVar variation 4280439 (VCV004280439.2).